The following is an entry in ClinVar:

NM_153704.6(TMEM67):c.2002T>C (p.Trp668Arg)

Gene: TMEM67 (transmembrane protein 67; plus strand). Cytogenetic location: 8q22.1.
Variant type: single nucleotide variant.
Coding change: c.2002T>C on transcript NM_153704.6 (MANE Select); coding-DNA position 2002, T replaced by C.
Protein change: p.Trp668Arg; replaces tryptophan 668 with arginine.
Molecular consequence: missense variant. On other transcripts: non-coding transcript variant (1).
Genome position (GRCh38, 1-based): chr8:93,797,372, T>C. VCF-style: chr8-93797372-T-C. GRCh37 (hg19) VCF-style: chr8-94809600-T-C.
Other names: c.1759T>C, p.Trp587Arg (NM_001142301.1); short protein forms W587R, W668R.
Identifiers: ClinVar variation 56770 (VCV000056770.3), dbSNP rs386834189, ClinGen allele CA144454.

ClinVar aggregate classification (germline): Uncertain significance. Review status: criteria provided, single submitter (1 of 4 stars). 2 submissions from 2 submitters: Uncertain significance (1). 1 of the submissions does not count toward it. Last evaluated 2024-12-10.

Conditions:
Meckel syndrome, type 3 (MKS3). Also called: MECKEL-GRUBER SYNDROME, TYPE 3. Identifiers: Orphanet 564, MedGen C1846357, MONDO:0011821, OMIM 607361.

Submissions (2):

Women's Health and Genetics/Laboratory Corporation of America, LabCorp
Classification: Uncertain significance. Last evaluated: 2024-12-10. Review status: criteria provided, single submitter. Criteria: LabCorp Variant Classification Summary - May 2015. Collection method: clinical testing. Allele origin: germline.
Comment: Variant summary: TMEM67 c.2002T>C (p.Trp668Arg) results in a non-conservative amino acid change in the encoded protein sequence. Five of five in-silico tools predict a damaging effect of the variant on protein function. The variant was absent in 251406 control chromosomes. The available data on variant occurrences in the general population are insufficient to allow any conclusion about variant significance. c.2002T>C has been reported in the compound heterozygous state in the literature in at least 1 individual affected with clinical features of Meckel syndrome (example, Iannicelli_2010). These data do not allow any conclusion about variant significance. To our knowledge, no experimental evidence demonstrating an impact on protein function has been reported. The following publication have been ascertained in the context of this evaluation (PMID: 20232449). ClinVar contains an entry for this variant (Variation ID: 56770). Based on the evidence outlined above, the variant was classified as uncertain significance.

Juha Muilu Group; Institute for Molecular Medicine Finland (FIMM)
Classification: Likely pathogenic for Meckel syndrome type 3. Review status: no assertion criteria provided. Collection method: not provided. Allele origin: unknown. Not counted in ClinVar's aggregate classification.
Comment: FinDis database variant: This variant was not found or characterized by our laboratory, data were collected from public sources: see reference
ClinVar note: Converted during submission from probable-pathogenic to Likely pathogenic.

Literature cited by the submitters: PubMed 20232449 (cited by Women's Health and Genetics/Laboratory Corporation of America, LabCorp).